The following is an entry in ClinVar:

ClinVar aggregate classification (germline): Likely benign (1 of 4 stars; one submission).

gnomAD v4.1: 9 of 1,207,709 alleles (0.00075%); highest among the groups gnomAD compares: African/African-American, 0.0018%; no homozygotes.

Submission:

CeGaT Center for Human Genetics Tuebingen
Classification: Likely benign. Last evaluated: 2023-04-01. Review status: criteria provided, single submitter. Criteria: CeGaT Center For Human Genetics Tuebingen Variant Classification Criteria Version 2. Collection method: clinical testing. Allele origin: germline. Affected: yes. Observed: 1 variant allele.
Comment: SHROOM4: BP4, BP7

NM_020717.5(SHROOM4):c.4065C>T (p.Ala1355=)

Gene: SHROOM4 (shroom family member 4; minus strand). Cytogenetic location: Xp11.22.
Variant type: single nucleotide variant.
Coding change: c.4065C>T on transcript NM_020717.5 (MANE Select); coding-DNA position 4065, C replaced by T.
Protein change: p.Ala1355=; no amino-acid change (alanine 1355 retained).
Molecular consequence: synonymous variant. On other transcripts: non-coding transcript variant (4).
Genome position (GRCh38, 1-based): chrX:50,598,413, G>A on the plus strand (C>T on the coding strand, the complement: SHROOM4 is on the minus strand). VCF-style: chrX-50598413-G-A. GRCh37 (hg19) VCF-style: chrX-50341413-G-A.
Identifiers: ClinVar variation 2660554 (VCV002660554.24), dbSNP rs140760349, ClinGen allele CA10415878.